The following is an entry in ClinVar:

NM_001365951.3(KIF1B):c.4358G>C (p.Gly1453Ala)

Gene: KIF1B (kinesin family member 1B; plus strand). Cytogenetic location: 1p36.22.
Variant type: single nucleotide variant.
Coding change: c.4358G>C on transcript NM_001365951.3 (MANE Select); coding-DNA position 4358, G replaced by C.
Protein change: p.Gly1453Ala; replaces glycine 1453 with alanine.
Molecular consequence: missense variant.
Genome position (GRCh38, 1-based): chr1:10,363,336, G>C. VCF-style: chr1-10363336-G-C. GRCh37 (hg19) VCF-style: chr1-10423394-G-C.
Other names: c.4358G>C, p.Gly1453Ala (NM_001365952.1); c.4220G>C, p.Gly1407Ala (NM_015074.3); short protein forms G1453A, G1407A.
Identifiers: ClinVar variation 1738830 (VCV001738830.2), dbSNP rs2521898217, ClinGen allele CA338318744.

ClinVar aggregate classification (germline): Uncertain significance (1 of 4 stars; one submission).

Submission:

Ambry Genetics
Classification: Uncertain significance. Last evaluated: 2022-08-11. Review status: criteria provided, single submitter. Criteria: Ambry Variant Classification Scheme 2023. Collection method: clinical testing. Allele origin: germline.
Comment: The p.G1407A variant (also known as c.4220G>C), located in coding exon 38 of the KIF1B gene, results from a G to C substitution at nucleotide position 4220. The glycine at codon 1407 is replaced by alanine, an amino acid with similar properties. This amino acid position is highly conserved in available vertebrate species. In addition, the in silico prediction for this alteration is inconclusive. Since supporting evidence is limited at this time, the clinical significance of this alteration remains unclear.